The following is an entry in ClinVar:

NM_006914.4(RORB):c.31A>G (p.Lys11Glu)

Gene: RORB (RAR related orphan receptor B; plus strand). Cytogenetic location: 9q21.13.
Variant type: single nucleotide variant.
Coding change: c.31A>G on transcript NM_006914.4 (MANE Select); coding-DNA position 31, A replaced by G.
Protein change: p.Lys11Glu; replaces lysine 11 with glutamic acid.
Molecular consequence: missense variant.
Genome position (GRCh38, 1-based): chr9:74,630,305, A>G. VCF-style: chr9-74630305-A-G. GRCh37 (hg19) VCF-style: chr9-77245221-A-G.
Other names: c.64A>G, p.Lys22Glu (NM_001365023.1); short protein forms K11E, K22E.
Identifiers: ClinVar variation 3664865 (VCV003664865.2).

ClinVar aggregate classification (germline): Uncertain significance (1 of 4 stars; one submission).

Submission:

Labcorp Genetics (formerly Invitae), Labcorp
Classification: Uncertain significance. Last evaluated: 2024-09-06. Review status: criteria provided, single submitter. Criteria: Invitae Variant Classification Sherloc (09022015). Collection method: clinical testing. Allele origin: germline.
Comment: This sequence change replaces lysine, which is basic and polar, with glutamic acid, which is acidic and polar, at codon 11 of the RORB protein (p.Lys11Glu). This variant is not present in population databases (gnomAD no frequency). This variant has not been reported in the literature in individuals affected with RORB-related conditions. An algorithm developed to predict the effect of missense changes on protein structure and function (PolyPhen-2) suggests that this variant is likely to be disruptive. In summary, the available evidence is currently insufficient to determine the role of this variant in disease. Therefore, it has been classified as a Variant of Uncertain Significance.